The following is an entry in ClinVar:

NM_000426.4(LAMA2):c.7749+1G>T

Gene: LAMA2 (laminin subunit alpha 2; plus strand). Cytogenetic location: 6q22.33.
Variant type: single nucleotide variant.
Coding change: c.7749+1G>T on transcript NM_000426.4 (MANE Select); the canonical splice donor site of the intron after coding-DNA position 7749, G replaced by T.
Molecular consequence: splice donor variant.
Genome position (GRCh38, 1-based): chr6:129,481,440, G>T. VCF-style: chr6-129481440-G-T. GRCh37 (hg19) VCF-style: chr6-129802585-G-T.
Other names: c.7737+1G>T (NM_001079823.2).
Identifiers: ClinVar variation 2698877 (VCV002698877.3), dbSNP rs2533478288, ClinGen allele CA365628479.

ClinVar aggregate classification (germline): Likely pathogenic (1 of 4 stars; one submission).

Conditions:
LAMA2-related muscular dystrophy (LAMA2-RD). Also called: Laminin alpha 2-related dystrophy. Identifiers: MedGen C5679788, MONDO:0100228.

Submission:

Labcorp Genetics (formerly Invitae), Labcorp
Classification: Likely pathogenic for LAMA2-related muscular dystrophy. Last evaluated: 2023-11-25. Review status: criteria provided, single submitter. Criteria: Invitae Variant Classification Sherloc (09022015). Collection method: clinical testing. Allele origin: germline.
Comment: This sequence change affects a donor splice site in intron 55 of the LAMA2 gene. It is expected to disrupt RNA splicing. Variants that disrupt the donor or acceptor splice site typically lead to a loss of protein function (PMID: 16199547), and loss-of-function variants in LAMA2 are known to be pathogenic (PMID: 18700894, 32904964). This variant is not present in population databases (gnomAD no frequency). This variant has not been reported in the literature in individuals affected with LAMA2-related conditions. Algorithms developed to predict the effect of sequence changes on RNA splicing suggest that this variant may disrupt the consensus splice site. In summary, the currently available evidence indicates that the variant is pathogenic, but additional data are needed to prove that conclusively. Therefore, this variant has been classified as Likely Pathogenic.

Literature cited by the submitters: PubMed 16199547; PubMed 18700894; PubMed 32904964.